The following is an entry in ClinVar:

ClinVar aggregate classification (germline): Uncertain significance. Review status: criteria provided, multiple submitters, no conflicts (2 of 4 stars). 4 submissions from 4 submitters: Uncertain significance (4). Last evaluated 2025-01-17.

Conditions:
Cranioectodermal dysplasia 3 (CED3). Identifiers: Orphanet 1515, MedGen C3279807, MONDO:0013573, OMIM 614099.
Short-rib thoracic dysplasia 18 with polydactyly. Identifiers: MedGen C4693420, MONDO:0036483, OMIM 617866.
Retinitis pigmentosa 81 (RP81). Identifiers: MedGen C4693443, MONDO:0036482, OMIM 617871.

Allele frequency attached by ClinVar (database versions not stated): gnomAD exomes below 0.00001 and 0.00002; gnomAD 0.00001; ExAC 0.00002; TOPMed 0.00003; ESP Exome Variant Server 0.00008.
gnomAD v4.1: 38 of 1,613,584 alleles (0.0024%); highest among the groups gnomAD compares: Non-Finnish European, 0.003%; no homozygotes.

Submissions (4):

Ambry Genetics
Classification: Uncertain significance. Last evaluated: 2025-01-17. Review status: criteria provided, single submitter. Criteria: Ambry Variant Classification Scheme 2023. Collection method: clinical testing. Allele origin: germline.

Labcorp Genetics (formerly Invitae), Labcorp
Classification: Uncertain significance. Last evaluated: 2024-06-28. Review status: criteria provided, single submitter. Criteria: Invitae Variant Classification Sherloc (09022015). Collection method: clinical testing. Allele origin: germline.
Comment: This sequence change replaces glutamic acid, which is acidic and polar, with aspartic acid, which is acidic and polar, at codon 171 of the IFT43 protein (p.Glu171Asp). This variant is present in population databases (rs141866033, gnomAD 0.002%). This variant has not been reported in the literature in individuals affected with IFT43-related conditions. ClinVar contains an entry for this variant (Variation ID: 932675). Algorithms developed to predict the effect of missense changes on protein structure and function output the following: SIFT: "Not Available"; PolyPhen-2: "Possibly Damaging"; Align-GVGD: "Not Available". The aspartic acid amino acid residue is found in multiple mammalian species, which suggests that this missense change does not adversely affect protein function. In summary, the available evidence is currently insufficient to determine the role of this variant in disease. Therefore, it has been classified as a Variant of Uncertain Significance.

Fulgent Genetics
Classification: Uncertain significance for Cranioectodermal dysplasia 3; Short-rib thoracic dysplasia 18 with polydactyly; Retinitis pigmentosa 81. Last evaluated: 2021-12-28. Review status: criteria provided, single submitter. Criteria: ACMG Guidelines, 2015. Collection method: clinical testing. Allele origin: unknown.

CeGaT Center for Human Genetics Tuebingen
Classification: Uncertain significance. Last evaluated: 2020-05-01. Review status: criteria provided, single submitter. Criteria: CeGaT Center For Human Genetics Tuebingen Variant Classification Criteria Version 2. Collection method: clinical testing. Allele origin: germline. Affected: yes. Observed: 1 variant allele.

NM_001102564.3(IFT43):c.498A>T (p.Glu166Asp)

Gene: IFT43 (intraflagellar transport 43; plus strand). Cytogenetic location: 14q24.3.
Variant type: single nucleotide variant.
Coding change: c.498A>T on transcript NM_001102564.3 (MANE Select); coding-DNA position 498, A replaced by T.
Protein change: p.Glu166Asp; replaces glutamic acid 166 with aspartic acid.
Molecular consequence: missense variant. On other transcripts: non-coding transcript variant (2).
Genome position (GRCh38, 1-based): chr14:76,083,280, A>T. VCF-style: chr14-76083280-A-T. GRCh37 (hg19) VCF-style: chr14-76549623-A-T.
Other names: c.513A>T, p.Glu171Asp (NM_052873.3); c.513A>T (NM_052873.2); short protein forms E166D, E171D.
Identifiers: ClinVar variation 932675 (VCV000932675.44), dbSNP rs141866033, ClinGen allele CA7280927.
Genomic context (GRCh38, chr14:76,083,280, plus strand): 5'-TTCACAGGATGGGGAGATCGACCTGAAACTCCTCACCAAAGTGCTCGCGCCGGAGCACGA[A>T]GTCCGGGAGGTACAGTGGTGGCAGCAATTCCCCGGTCTCTCAGCTCTGGCATTCCCATAA-3'
Protein context (NP_001096034.1, residues 156-176): LLTKVLAPEH[Glu166Asp]VREDDVGWDW